The following is an entry in ClinVar:

ClinVar aggregate classification (germline): Uncertain significance. Review status: criteria provided, multiple submitters, no conflicts (2 of 4 stars). 4 submissions from 4 submitters: Uncertain significance (4). Last evaluated 2025-08-08.

Allele frequency attached by ClinVar (database versions not stated): ExAC 0.00001; gnomAD 0.00001; TOPMed 0.00001; gnomAD exomes 0.00002.
gnomAD v4.1: 23 of 1,613,972 alleles (0.0014%); highest among the groups gnomAD compares: Non-Finnish European, 0.0017%; no homozygotes.

Submissions (4):

Quest Diagnostics Nichols Institute San Juan Capistrano
Classification: Uncertain significance. Last evaluated: 2025-08-08. Review status: criteria provided, single submitter. Criteria: Quest Diagnostics criteria. Collection method: clinical testing. Allele origin: unknown.
Comment: The RECQL c.115A>C (p.Lys39Gln) variant has been reported in the published literature in individuals with breast and/or ovarian cancer, and reportedly unaffected individuals (PMID: 32546565 (2021), 33471991 (2021), see also LOVD). The frequency of this variant in the general population (Genome Aggregation Database) is uninformative in the assessment of its pathogenicity. Analysis of this variant using bioinformatics tools for the prediction of the effect of amino acid changes on protein structure and function yielded conflicting predictions that this variant is benign or damaging. Based on the available information, we are unable to determine the clinical significance of this variant.

Ambry Genetics
Classification: Uncertain significance. Last evaluated: 2025-03-18. Review status: criteria provided, single submitter. Criteria: Ambry Variant Classification Scheme 2023. Collection method: clinical testing. Allele origin: germline.
Comment: The p.K39Q variant (also known as c.115A>C), located in coding exon 2 of the RECQL gene, results from an A to C substitution at nucleotide position 115. The lysine at codon 39 is replaced by glutamine, an amino acid with similar properties. This amino acid position is conserved. In addition, the in silico prediction for this alteration is inconclusive. Since supporting evidence is limited at this time, the clinical significance of this alteration remains unclear.

Labcorp Genetics (formerly Invitae), Labcorp
Classification: Uncertain significance. Last evaluated: 2024-07-30. Review status: criteria provided, single submitter. Criteria: Invitae Variant Classification Sherloc (09022015). Collection method: clinical testing. Allele origin: germline.
Comment: This sequence change replaces lysine, which is basic and polar, with glutamine, which is neutral and polar, at codon 39 of the RECQL protein (p.Lys39Gln). This variant is present in population databases (rs765195543, gnomAD 0.01%). This variant has not been reported in the literature in individuals affected with RECQL-related conditions. ClinVar contains an entry for this variant (Variation ID: 1063486). An algorithm developed to predict the effect of missense changes on protein structure and function (PolyPhen-2) suggests that this variant is likely to be disruptive. In summary, the available evidence is currently insufficient to determine the role of this variant in disease. Therefore, it has been classified as a Variant of Uncertain Significance.

GeneDx
Classification: Uncertain significance. Last evaluated: 2024-05-08. Review status: criteria provided, single submitter. Criteria: GeneDx Variant Classification Process June 2021. Collection method: clinical testing. Allele origin: germline.
Comment: In silico analysis supports that this missense variant has a deleterious effect on protein structure/function; Has not been previously published as pathogenic or benign to our knowledge; Variants in candidate genes are classified as variants of uncertain significance in accordance with ACMG guidelines (PMID: 25741868); This variant is associated with the following publications: (PMID: 27248010)

Literature cited by the submitters: PubMed 32546565 (cited by Quest Diagnostics Nichols Institute San Juan Capistrano); PubMed 33471991 (cited by Quest Diagnostics Nichols Institute San Juan Capistrano).

NM_002907.4(RECQL):c.115A>C (p.Lys39Gln)

Gene: RECQL (RecQ like helicase; minus strand). Cytogenetic location: 12p12.1.
Variant type: single nucleotide variant.
Coding change: c.115A>C on transcript NM_002907.4 (MANE Select); coding-DNA position 115, A replaced by C.
Protein change: p.Lys39Gln; replaces lysine 39 with glutamine.
Molecular consequence: missense variant.
Genome position (GRCh38, 1-based): chr12:21,491,618, T>G on the plus strand (A>C on the coding strand, the complement: RECQL is on the minus strand). VCF-style: chr12-21491618-T-G. GRCh37 (hg19) VCF-style: chr12-21644552-T-G.
Other names: c.115A>C (NM_002907.3); c.115A>C, p.Lys39Gln (NM_032941.3); short protein forms K39Q.
Identifiers: ClinVar variation 1063486 (VCV001063486.13), dbSNP rs765195543, ClinGen allele CA6479203.